The following is an entry in ClinVar:

NM_002907.4(RECQL):c.1425C>G (p.Cys475Trp)

Gene: RECQL (RecQ like helicase; minus strand). Cytogenetic location: 12p12.1.
Variant type: single nucleotide variant.
Coding change: c.1425C>G on transcript NM_002907.4 (MANE Select); coding-DNA position 1425, C replaced by G.
Protein change: p.Cys475Trp; replaces cysteine 475 with tryptophan.
Molecular consequence: missense variant.
Genome position (GRCh38, 1-based): chr12:21,473,573, G>C on the plus strand (C>G on the coding strand, the complement: RECQL is on the minus strand). VCF-style: chr12-21473573-G-C. GRCh37 (hg19) VCF-style: chr12-21626507-G-C.
Other names: c.1425C>G, p.Cys475Trp (NM_032941.3); short protein forms C475W.
Identifiers: ClinVar variation 3222934 (VCV003222934.1), dbSNP rs142226004, ClinGen allele CA384117340.
Genomic context (GRCh38, chr12:21,473,573, plus strand): 5'-GTATTAGCCTATAAAGGTTTACAAAACAACAAACTCACCACTGTCTTTACAGCAGTTATC[G>C]CACATTTTGTTACATGCTTCTGAGTTCCATACTTCATCAAAATGTTGAGCCATCAACACA-3'
Protein context (NP_002898.2, residues 465-485): VWNSEACNKM[Cys475Trp]DNCCKDSAFE

ClinVar aggregate classification (germline): Uncertain significance (1 of 4 stars; one submission).

Submission:

Ambry Genetics
Classification: Uncertain significance. Last evaluated: 2024-02-22. Review status: criteria provided, single submitter. Criteria: Ambry Variant Classification Scheme 2023. Collection method: clinical testing. Allele origin: germline.
Comment: The p.C475W variant (also known as c.1425C>G), located in coding exon 11 of the RECQL gene, results from a C to G substitution at nucleotide position 1425. The cysteine at codon 475 is replaced by tryptophan, an amino acid with highly dissimilar properties. This amino acid position is conserved. In addition, the in silico prediction for this alteration is inconclusive. Based on the available evidence, the clinical significance of this alteration remains unclear.